The following is an entry in ClinVar:

ClinVar aggregate classification (germline): Uncertain significance. Review status: criteria provided, multiple submitters, no conflicts (2 of 4 stars). 2 submissions from 2 submitters: Uncertain significance (2). Last evaluated 2024-09-18.

gnomAD v4.1: 1 of 1,614,106 alleles (0.000062%); highest among the groups gnomAD compares: Non-Finnish European, 0.000085%; no homozygotes.

Submissions (2):

GeneDx
Classification: Uncertain significance. Last evaluated: 2024-09-18. Review status: criteria provided, single submitter. Criteria: GeneDx Variant Classification Process June 2021. Collection method: clinical testing. Allele origin: germline. Affected: yes.
Comment: Not observed at significant frequency in large population cohorts (gnomAD); In silico analysis supports that this missense variant has a deleterious effect on protein structure/function; Has not been previously published as pathogenic or benign to our knowledge

Labcorp Genetics (formerly Invitae), Labcorp
Classification: Uncertain significance. Last evaluated: 2021-11-17. Review status: criteria provided, single submitter. Criteria: Invitae Variant Classification Sherloc (09022015). Collection method: clinical testing. Allele origin: germline.
Comment: In summary, the available evidence is currently insufficient to determine the role of this variant in disease. Therefore, it has been classified as a Variant of Uncertain Significance. Algorithms developed to predict the effect of missense changes on protein structure and function are either unavailable or do not agree on the potential impact of this missense change (SIFT: "Tolerated"; PolyPhen-2: "Probably Damaging"; Align-GVGD: "Class C0"). This variant has not been reported in the literature in individuals affected with EMC1-related conditions. This variant is not present in population databases (gnomAD no frequency). This sequence change replaces asparagine, which is neutral and polar, with aspartic acid, which is acidic and polar, at codon 911 of the EMC1 protein (p.Asn911Asp).

NM_015047.3(EMC1):c.2731A>G (p.Asn911Asp)

Genes: EMC1 (ER membrane protein complex subunit 1; minus strand), EMC1-AS1 (EMC1 antisense RNA 1; plus strand). Cytogenetic location: 1p36.13.
Variant type: single nucleotide variant.
Coding change: c.2731A>G on transcript NM_015047.3 (MANE Select); coding-DNA position 2731, A replaced by G.
Protein change: p.Asn911Asp; replaces asparagine 911 with aspartic acid.
Molecular consequence: missense variant.
Genome position (GRCh38, 1-based): chr1:19,219,640, T>C on the plus strand (A>G on the coding strand, the complement: EMC1 is on the minus strand). VCF-style: chr1-19219640-T-C. GRCh37 (hg19) VCF-style: chr1-19546134-T-C.
Other names: c.2728A>G, p.Asn910Asp (NM_001271428.2, NM_001271427.2); c.2665A>G, p.Asn889Asp (NM_001271429.2); c.2740A>G, p.Asn914Asp (NM_001375820.1); c.2737A>G, p.Asn913Asp (NM_001375821.1); c.2731A>G (NM_015047.2); short protein forms N910D, N911D, N913D, N914D, N889D.
Identifiers: ClinVar variation 1393769 (VCV001393769.7), dbSNP rs2151933760, ClinGen allele CA338750077.
Genomic context (GRCh38, chr1:19,219,640, plus strand): 5'-ACTCCAGACCCGAGGGAGCTGTGTAGATACCTCGCATTCGAGAAACTGTCTGGTTATAGT[T>C]GATGAATCGCTCTGCGTGTATCTGTACATCTGGAGAATACGGGATTAAGTTCTCCTCTCT-3'
Protein context (NP_055862.1, residues 901-921): DVQIHAERFI[Asn911Asp]YNQTVSRMRG